The following is an entry in ClinVar:

NM_004006.3(DMD):c.7961A>G (p.Asp2654Gly)

Gene: DMD (dystrophin; minus strand). Cytogenetic location: Xp21.1.
Variant type: single nucleotide variant.
Coding change: c.7961A>G on transcript NM_004006.3 (MANE Select); coding-DNA position 7961, A replaced by G.
Protein change: p.Asp2654Gly; replaces aspartic acid 2654 with glycine.
Molecular consequence: missense variant.
Genome position (GRCh38, 1-based): chrX:31,658,056, T>C on the plus strand (A>G on the coding strand, the complement: DMD is on the minus strand). VCF-style: chrX-31658056-T-C. GRCh37 (hg19) VCF-style: chrX-31676173-T-C.
Other names: NC_000023.10:g.31676173T>C; c.7937A>G, p.Asp2646Gly (NM_000109.4); c.7949A>G, p.Asp2650Gly (NM_004009.3); c.7592A>G, p.Asp2531Gly (NM_004010.3); c.3938A>G, p.Asp1313Gly (NM_004011.4); c.3929A>G, p.Asp1310Gly (NM_004012.4); c.581A>G, p.Asp194Gly (NM_004013.3, NM_004020.4, NM_004021.3 and 2 more transcripts); short protein forms D1310G, D1313G, D194G, D2531G, D2646G, D2650G, D2654G.
Identifiers: ClinVar variation 3389291 (VCV003389291.15).
Genomic context (GRCh38, chrX:31,658,056, plus strand): 5'-TGAATGCTTCTCCAAGAGGCATTGATATTCTCTGTTATCATGTGGACTTTTCTGGTATCA[T>C]CTGCAGAATAATCCCGGAGAAGTTTCAGGGCCAAGTCATTTGCCACATCTACATTTGTCT-3'
Protein context (NP_003997.2, residues 2644-2664): ALKLLRDYSA[Asp2654Gly]DTRKVHMITE

ClinVar aggregate classification (germline): Likely benign (1 of 4 stars; one submission).

gnomAD v4.1: 4 of 1,211,263 alleles (0.00033%); highest among the groups gnomAD compares: Non-Finnish European, 0.00045%; no homozygotes.

Submissions (2):

CeGaT Center for Human Genetics Tuebingen
Classification: Likely benign. Last evaluated: 2024-09-01. Review status: criteria provided, single submitter. Criteria: CeGaT Center For Human Genetics Tuebingen Variant Classification Criteria Version 2. Collection method: clinical testing. Allele origin: germline. Affected: yes. Observed: 1 variant allele.
Comment: DMD: BP1

Dr. Peter K. Rogan Lab, Western University
No classification provided (evidence only). Condition: Nonpapillary renal cell carcinoma. Review status: no classification provided. Collection method: in vitro. Allele origin: not applicable. Functional consequence: retained intron. Not counted in ClinVar's aggregate classification.